The following is an entry in ClinVar:

NM_002439.5(MSH3):c.1661T>G (p.Met554Arg)

Gene: MSH3 (mutS homolog 3; plus strand). Cytogenetic location: 5q14.1.
Variant type: single nucleotide variant.
Coding change: c.1661T>G on transcript NM_002439.5 (MANE Select); coding-DNA position 1661, T replaced by G.
Protein change: p.Met554Arg; replaces methionine 554 with arginine.
Molecular consequence: missense variant.
Genome position (GRCh38, 1-based): chr5:80,744,513, T>G. VCF-style: chr5-80744513-T-G. GRCh37 (hg19) VCF-style: chr5-80040332-T-G.
Other names: short protein forms M554R.
Identifiers: ClinVar variation 1037400 (VCV001037400.8), dbSNP rs755514051, ClinGen allele CA360274632.
Genomic context (GRCh38, chr5:80,744,513, plus strand): 5'-TTTGGCACAAATAATTGTCTAGTTAATAAAACTTGTTTTCTGGTCTTTCTTAGACTGATA[T>G]GAAAACCAAAGGAAGTTTGCTGTGGGTTTTAGACCACACTAAAACTTCATTTGGGAGACG-3'
Protein context (NP_002430.3, residues 544-564): NLEILQNQTD[Met554Arg]KTKGSLLWVL

ClinVar aggregate classification (germline): Uncertain significance (1 of 4 stars; one submission).

gnomAD v4.1: 2 of 1,612,648 alleles (0.00012%); highest among the groups gnomAD compares: Non-Finnish European, 0.00017%; no homozygotes.

Submission:

Labcorp Genetics (formerly Invitae), Labcorp
Classification: Uncertain significance. Last evaluated: 2025-05-28. Review status: criteria provided, single submitter. Criteria: Invitae Variant Classification Sherloc (09022015). Collection method: clinical testing. Allele origin: germline.
Comment: This sequence change replaces methionine, which is neutral and non-polar, with arginine, which is basic and polar, at codon 554 of the MSH3 protein (p.Met554Arg). This variant is not present in population databases (gnomAD no frequency). This variant has not been reported in the literature in individuals affected with MSH3-related conditions. ClinVar contains an entry for this variant (Variation ID: 1037400). An algorithm developed to predict the effect of missense changes on protein structure and function outputs the following: PolyPhen-2: "Benign". The arginine amino acid residue is found in multiple mammalian species, which suggests that this missense change does not adversely affect protein function. In summary, the available evidence is currently insufficient to determine the role of this variant in disease. Therefore, it has been classified as a Variant of Uncertain Significance.